The following is an entry in ClinVar:

ClinVar aggregate classification (germline): Uncertain significance (1 of 4 stars; one submission).

gnomAD v4.1: 2 of 1,613,098 alleles (0.00012%); highest among the groups gnomAD compares: African/African-American, 0.0013%; no homozygotes.

Submission:

Ambry Genetics
Classification: Uncertain significance. Last evaluated: 2022-03-25. Review status: criteria provided, single submitter. Criteria: Ambry Variant Classification Scheme 2023. Collection method: clinical testing. Allele origin: germline.
Comment: The p.T1299I variant (also known as c.3896C>T), located in coding exon 16 of the POLQ gene, results from a C to T substitution at nucleotide position 3896. The threonine at codon 1299 is replaced by isoleucine, an amino acid with similar properties. This amino acid position is conserved. In addition, this alteration is predicted to be tolerated by in silico analysis. Since supporting evidence is limited at this time, the clinical significance of this alteration remains unclear.

NM_199420.4(POLQ):c.3896C>T (p.Thr1299Ile)

Gene: POLQ (DNA polymerase theta; minus strand). Cytogenetic location: 3q13.33.
Variant type: single nucleotide variant.
Coding change: c.3896C>T on transcript NM_199420.4 (MANE Select); coding-DNA position 3896, C replaced by T.
Protein change: p.Thr1299Ile; replaces threonine 1299 with isoleucine.
Molecular consequence: missense variant.
Genome position (GRCh38, 1-based): chr3:121,489,035, G>A on the plus strand (C>T on the coding strand, the complement: POLQ is on the minus strand). VCF-style: chr3-121489035-G-A. GRCh37 (hg19) VCF-style: chr3-121207882-G-A.
Other names: short protein forms T1299I.
Identifiers: ClinVar variation 1735942 (VCV001735942.2), dbSNP rs201804248, ClinGen allele CA354096694.